The following is an entry in ClinVar:

ClinVar aggregate classification (germline): Likely pathogenic (1 of 4 stars; one submission).

Conditions:
Developmental delay, impaired speech, and behavioral abnormalities, with or without seizures (DEDISB). Identifiers: MedGen C5575272, MONDO:0859263, OMIM 619964.

Submission:

Institute of Human Genetics, University of Leipzig Medical Center
Classification: Likely pathogenic for Developmental delay, impaired speech, and behavioral abnormalities, with or without seizures. Last evaluated: 2024-05-07. Review status: criteria provided, single submitter. Criteria: ACMG Guidelines, 2015. Collection method: clinical testing. Allele origin: unknown. Inheritance: Autosomal dominant inheritance. Affected: yes.
Comment: Criteria applied: PVS1,PM2_SUP

NM_006421.5(ARFGEF1):c.1273_1274dup (p.Leu425_Val426insTer)

Gene: ARFGEF1 (ARF guanine nucleotide exchange factor 1; minus strand). Cytogenetic location: 8q13.2.
Variant type: Duplication.
Coding change: c.1273_1274dup on transcript NM_006421.5 (MANE Select); coding-DNA positions 1273 to 1274, 2 bases duplicated (CT; older notation c.1273_1274dupCT).
Protein change: p.Leu425_Val426insTer.
Molecular consequence: frameshift variant. On other transcripts: non-coding transcript variant (1), intron variant (1).
Genome position (GRCh38, 1-based): chr8:67,276,039-67,276,040, AG duplicated on the plus strand (CT on the coding strand, the reverse complement: ARFGEF1 is on the minus strand); duplicating any 2 consecutive bases within chr8:67,276,039-67,276,041 gives the same sequence; the c. name uses the placement nearest the transcript's 3' end. VCF-style (leftmost placement, unchanged base first): chr8-67276038-T-TAG. GRCh37 (hg19) VCF-style: chr8-68188273-T-TAG.
Other names: c.1273_1274dup, p.Leu425_Val426insTer (NM_001413184.1, NM_001413185.1, NM_001413186.1 and 7 more transcripts); c.673_674dup, p.Leu225_Val226insTer (NM_001413188.1, NM_001413193.1, NM_001413197.1); c.-88-4104_-88-4103dup (NM_001413196.1).
Identifiers: ClinVar variation 3358952 (VCV003358952.2).